The following is an entry in ClinVar:

ClinVar aggregate classification (germline): Uncertain significance. Review status: criteria provided, multiple submitters, no conflicts (2 of 4 stars). 4 submissions from 4 submitters: Uncertain significance (4). Last evaluated 2026-06-01.

Conditions:
Autosomal recessive nonsyndromic hearing loss 21. Identifiers: Orphanet 90636, MedGen C1863655, MONDO:0011351, OMIM 603629.
Inborn genetic diseases. Identifiers: MedGen C0950123, MeSH D030342.

Submissions (4):

CeGaT Center for Human Genetics Tuebingen
Classification: Uncertain significance. Last evaluated: 2026-06-01. Review status: criteria provided, single submitter. Criteria: CeGaT Center For Human Genetics Tuebingen Variant Classification Criteria Version 2. Collection method: clinical testing. Allele origin: germline. Affected: yes. Observed: 1 variant allele.
Comment: TECTA: PM2

Women's Health and Genetics/Laboratory Corporation of America, LabCorp
Classification: Uncertain significance. Last evaluated: 2025-11-10. Review status: criteria provided, single submitter. Criteria: LabCorp Variant Classification Summary - May 2015. Collection method: clinical testing. Allele origin: germline.
Comment: Variant summary: TECTA c.286G>C (p.Val96Leu) results in a conservative amino acid change in the encoded protein sequence. Algorithms developed to predict the effect of missense changes on protein structure and function all suggest that this variant is likely to be tolerated. The variant allele was found at a frequency of 8e-06 in 251332 control chromosomes. The available data on variant occurrences in the general population are insufficient to allow any conclusion about variant significance. To our knowledge, no occurrence of c.286G>C in individuals affected with TECTA-related conditions and no experimental evidence demonstrating its impact on protein function have been reported. ClinVar contains an entry for this variant (Variation ID: 1712278). Based on the evidence outlined above, the variant was classified as uncertain significance.

Ambry Genetics
Classification: Uncertain significance for Inborn genetic diseases. Last evaluated: 2025-04-01. Review status: criteria provided, single submitter. Criteria: Ambry Variant Classification Scheme 2023. Collection method: clinical testing. Allele origin: germline.

UNC Molecular Genetics  Laboratory, University of North Carolina at Chapel Hill
Classification: Uncertain significance for Autosomal recessive nonsyndromic hearing loss 21. Last evaluated: 2022-01-25. Review status: criteria provided, single submitter. Criteria: ACMG Guidelines, 2015. Collection method: research. Allele origin: unknown. Observed: 1 variant allele. Study: CSER_NCGENES_2.
Comment: TECTA c.286G>C p.(Val96Leu) is a missense variant which is predicted to change a single amino acid in the encoded protein from a valine to leucine. This variant is observed in gnomAD v2.1.1 with a global minor allele frequency of 0.0008% (2 alleles/251,332 alleles, 0 homozygotes). To our knowledge, this variant has not been previously reported in affected individuals in the literature. This missense change has conflicting predictions of pathogenicity by in silico tools and its effect on protein function is unknown. Without clinical or functional evidence, this variant is classified as a variant of uncertain significance.

NM_005422.4(TECTA):c.286G>C (p.Val96Leu)

Genes: TBCEL-TECTA (TBCEL-TECTA readthrough; plus strand), TECTA (tectorin alpha; plus strand). Cytogenetic location: 11q23.3.
Variant type: single nucleotide variant.
Coding change: c.286G>C on transcript NM_005422.4 (MANE Select); coding-DNA position 286, G replaced by C.
Protein change: p.Val96Leu; replaces valine 96 with leucine.
Molecular consequence: missense variant.
Genome position (GRCh38, 1-based): chr11:121,109,298, G>C. VCF-style: chr11-121109298-G-C. GRCh37 (hg19) VCF-style: chr11-120980007-G-C.
Other names: c.1243G>C, p.Val415Leu (NM_001378761.1); c.286G>C (NM_005422.2); short protein forms V415L, V96L.
Identifiers: ClinVar variation 1712278 (VCV001712278.5), dbSNP rs138646574, ClinGen allele CA6326468.